The following is an entry in ClinVar:

NM_003072.5(SMARCA4):c.4444A>G (p.Ser1482Gly)

Gene: SMARCA4 (SWI/SNF related BAF chromatin remodeling complex subunit ATPase 4; plus strand). Cytogenetic location: 19p13.2.
Variant type: single nucleotide variant.
Coding change: c.4444A>G on transcript NM_003072.5 (MANE Select); coding-DNA position 4444, A replaced by G.
Protein change: p.Ser1482Gly; replaces serine 1482 with glycine.
Molecular consequence: missense variant. On other transcripts: non-coding transcript variant (1).
Genome position (GRCh38, 1-based): chr19:11,058,274, A>G. VCF-style: chr19-11058274-A-G. GRCh37 (hg19) VCF-style: chr19-11168950-A-G.
Other names: c.4540A>G (NM_001128849.1); c.4444A>G, p.Ser1482Gly (NM_001128844.3); c.4354A>G, p.Ser1452Gly (NM_001128845.2); c.4351A>G, p.Ser1451Gly (NM_001128846.2); c.4345A>G, p.Ser1449Gly (NM_001128847.4, NM_001374457.1); c.4342A>G, p.Ser1448Gly (NM_001128848.2); c.4540A>G, p.Ser1514Gly (NM_001128849.3, NM_001387283.1); c.4441A>G, p.Ser1481Gly (NM_001411150.1); short protein forms S1451G, S1481G, S1448G, S1449G, S1452G, S1482G, S1514G.
Identifiers: ClinVar variation 2856490 (VCV002856490.4), dbSNP rs2147085244, ClinGen allele CA404077304.

ClinVar aggregate classification (germline): Uncertain significance. Review status: criteria provided, multiple submitters, no conflicts (2 of 4 stars). 2 submissions from 2 submitters: Uncertain significance (2). Last evaluated 2024-01-02.

Conditions:
Hereditary cancer-predisposing syndrome. Also called: Neoplastic Syndromes, Hereditary; Hereditary neoplastic syndrome; Tumor predisposition; Hereditary Cancer Syndrome. Identifiers: Orphanet 140162, MedGen C0027672, MeSH D009386, MONDO:0015356.
Rhabdoid tumor predisposition syndrome 2 (RTPS2). Identifiers: Orphanet 231108, Orphanet 69077, MedGen C2750074, MONDO:0013224, OMIM 613325.

Submissions (2):

Ambry Genetics
Classification: Uncertain significance for Hereditary cancer-predisposing syndrome. Last evaluated: 2024-01-02. Review status: criteria provided, single submitter. Criteria: Ambry Variant Classification Scheme 2023. Collection method: clinical testing. Allele origin: germline.
Comment: The p.S1514G variant (also known as c.4540A>G), located in coding exon 31 of the SMARCA4 gene, results from an A to G substitution at nucleotide position 4540. The serine at codon 1514 is replaced by glycine, an amino acid with similar properties. This amino acid position is highly conserved in available vertebrate species. In addition, the in silico prediction for this alteration is inconclusive. Missense and in-frame variants in SMARCA4 are known to cause neurodevelopmental disorders; however, such associations with rhabdoid tumor predisposition syndrome including small cell carcinoma of the ovary-hypercalcemic type (SCCOHT) are exceedingly rare (Kosho T et al. Am J Med Genet C Semin Med Genet. 2014 Sep;166C(3):262-75; Jelinic P et al. Nat Genet. 2014 May;46(5):424-6). Since supporting evidence is limited at this time, the clinical significance of this alteration remains unclear.

Labcorp Genetics (formerly Invitae), Labcorp
Classification: Uncertain significance for Rhabdoid tumor predisposition syndrome 2. Last evaluated: 2023-04-15. Review status: criteria provided, single submitter. Criteria: Invitae Variant Classification Sherloc (09022015). Collection method: clinical testing. Allele origin: germline.
Comment: In summary, the available evidence is currently insufficient to determine the role of this variant in disease. Therefore, it has been classified as a Variant of Uncertain Significance. Advanced modeling of protein sequence and biophysical properties (such as structural, functional, and spatial information, amino acid conservation, physicochemical variation, residue mobility, and thermodynamic stability) has been performed at Invitae for this missense variant, however the output from this modeling did not meet the statistical confidence thresholds required to predict the impact of this variant on SMARCA4 protein function. This variant has not been reported in the literature in individuals affected with SMARCA4-related conditions. This variant is not present in population databases (gnomAD no frequency). This sequence change replaces serine, which is neutral and polar, with glycine, which is neutral and non-polar, at codon 1514 of the SMARCA4 protein (p.Ser1514Gly).